The following is an entry in ClinVar:

NM_170601.5(SIAE):c.597del (p.Phe199fs)

Gene: SIAE (sialic acid acetylesterase; minus strand). Cytogenetic location: 11q24.2.
Variant type: Deletion.
Coding change: c.597del on transcript NM_170601.5 (MANE Select); coding-DNA position 597, one base deleted (T; older notation c.597delT).
Protein change: p.Phe199fs; shifts the reading frame from phenylalanine 199.
Molecular consequence: frameshift variant.
Genome position (GRCh38, 1-based): chr11:124,649,744, A deleted on the plus strand (T on the coding strand, the reverse complement: SIAE is on the minus strand); the first of 3 consecutive A bases (chr11:124,649,744-124,649,746); deleting any one gives the same sequence. VCF-style (leftmost placement, unchanged base first): chr11-124649743-CA-C. GRCh37 (hg19) VCF-style: chr11-124519639-CA-C.
Other names: c.492del, p.Phe164fs (NM_001199922.2); short protein forms F164fs, F199fs.
Identifiers: ClinVar variation 1359122 (VCV001359122.6), dbSNP rs1376765825, ClinGen allele CA672874656.

ClinVar aggregate classification (germline): Uncertain significance (1 of 4 stars; one submission).

Submission:

Labcorp Genetics (formerly Invitae), Labcorp
Classification: Uncertain significance. Last evaluated: 2025-05-14. Review status: criteria provided, single submitter. Criteria: Invitae Variant Classification Sherloc (09022015). Collection method: clinical testing. Allele origin: germline.
Comment: This sequence change creates a premature translational stop signal (p.Phe199Leufs*15) in the SIAE gene. It is expected to result in an absent or disrupted protein product. However, the current clinical and genetic evidence is not sufficient to establish whether loss-of-function variants in SIAE cause disease. This variant is not present in population databases (gnomAD no frequency). This variant has not been reported in the literature in individuals affected with SIAE-related conditions. ClinVar contains an entry for this variant (Variation ID: 1359122). In summary, the available evidence is currently insufficient to determine the role of this variant in disease. Therefore, it has been classified as a Variant of Uncertain Significance.